The following is an entry in ClinVar:

NM_001953.5(TYMP):c.20del (p.Pro7fs)

Gene: TYMP (thymidine phosphorylase; minus strand). Cytogenetic location: 22q13.33.
Variant type: Deletion.
Coding change: c.20del on transcript NM_001953.5 (MANE Select); coding-DNA position 20, one base deleted (C; older notation c.20delC).
Protein change: p.Pro7fs; shifts the reading frame from proline 7.
Molecular consequence: frameshift variant.
Genome position (GRCh38, 1-based): chr22:50,529,690, G deleted on the plus strand (C on the coding strand, the reverse complement: TYMP is on the minus strand); the first of 4 consecutive G bases (chr22:50,529,690-50,529,693); deleting any one gives the same sequence. VCF-style (leftmost placement, unchanged base first): chr22-50529689-CG-C. GRCh37 (hg19) VCF-style: chr22-50968118-CG-C.
Other names: c.20del, p.Pro7fs (NM_001113755.3, NM_001113756.3, NM_001257988.1 and 1 more transcripts); short protein forms P7fs.
Identifiers: ClinVar variation 1074883 (VCV001074883.9), dbSNP rs2148683541, ClinGen allele CA2499226237.
Genomic context (GRCh38, chr22:50,529,689, plus strand): 5'-GGGAAGTCCCTGGCTCCCTTCCCCGGAGAAGTCACCAGGCGCGGGTGGGGCCCCGGTTCC[CG>C]GGGTCATCAAGGCTGCCATCGCTCCGGGCCTGCGGGGATGCCTGACACGTCCGGGGTCTG-3'

ClinVar aggregate classification (germline): Pathogenic (1 of 4 stars; one submission).

Submission:

Labcorp Genetics (formerly Invitae), Labcorp
Classification: Pathogenic. Last evaluated: 2020-08-20. Review status: criteria provided, single submitter. Criteria: Invitae Variant Classification Sherloc (09022015). Collection method: clinical testing. Allele origin: germline.
Comment: This variant has not been reported in the literature in individuals with TYMP-related conditions. For these reasons, this variant has been classified as Pathogenic. Loss-of-function variants in TYMP are known to be pathogenic (PMID: 9924029, 15781193). This variant is not present in population databases (ExAC no frequency). This sequence change creates a premature translational stop signal (p.Pro7Argfs*33) in the TYMP gene. It is expected to result in an absent or disrupted protein product.

Literature cited by the submitters: PubMed 9924029; PubMed 15781193.